The following is an entry in ClinVar:

ClinVar aggregate classification (germline): Pathogenic (1 of 4 stars; one submission).

Conditions:
Intellectual developmental disorder, autosomal dominant 22. Also called: Intellectual disability, autosomal dominant 22. Identifiers: MedGen CN029689, MONDO:0012869, OMIM 612337.

Submission:

Victorian Clinical Genetics Services, Murdoch Childrens Research Institute
Classification: Pathogenic for Intellectual developmental disorder, autosomal dominant 22. Last evaluated: 2023-07-17. Review status: criteria provided, single submitter. Criteria: ACMG Guidelines, 2015. Collection method: clinical testing. Allele origin: germline. Inheritance: Autosomal dominant inheritance. Affected: yes.
Comment: Based on the classification scheme VCGS_Germline_v1.3.4, this variant is classified as Pathogenic. Following criteria are met: 0102 - Loss of function is a known mechanism of disease in this gene and is associated with intellectual developmental disorder, autosomal dominant 22 (MIM#612337). (I) 0107 - This gene is associated with autosomal dominant disease. (I) 0204 - Variant is predicted to result in a truncated protein (premature termination codon is NOT located at least 54 nucleotides upstream of the final exon-exon junction) with at least 1/3 of the protein sequence affected. (SP) 0251 - This variant is heterozygous. (I) 0301 - Variant is absent from gnomAD (both v2 and v3). (SP) 0701 - Other downstream truncating variants comparable to the one identified in this case have very strong previous evidence for pathogenicity (DECIPHER, ClinVar). (SP) 0807 - This variant has no previous evidence of pathogenicity. (I) 0905 - No published segregation evidence has been identified for this variant. (I) 1007 - No published functional evidence has been identified for this variant. (SP) Legend: (SP) - Supporting pathogenic, (I) - Information, (SB) - Supporting benign

NM_205768.3(ZBTB18):c.562G>T (p.Glu188Ter)

Gene: ZBTB18 (zinc finger and BTB domain containing 18; plus strand). Cytogenetic location: 1q44.
Variant type: single nucleotide variant.
Coding change: c.562G>T on transcript NM_205768.3 (MANE Select); coding-DNA position 562, G replaced by T.
Protein change: p.Glu188Ter; replaces glutamic acid 188 with a stop codon.
Molecular consequence: nonsense.
Genome position (GRCh38, 1-based): chr1:244,054,336, G>T. VCF-style: chr1-244054336-G-T. GRCh37 (hg19) VCF-style: chr1-244217638-G-T.
Other names: c.535G>T, p.Glu179Ter (NM_001278196.2, NM_006352.5); c.562G>T, p.Glu188Ter (NM_001421566.1); short protein forms E179*, E188*.
Identifiers: ClinVar variation 3254938 (VCV003254938.1), dbSNP rs747598258.